The following is an entry in ClinVar:

NM_003072.5(SMARCA4):c.4274CCA[1] (p.Thr1426del)

Gene: SMARCA4 (SWI/SNF related BAF chromatin remodeling complex subunit ATPase 4; plus strand). Cytogenetic location: 19p13.2.
Variant type: Microsatellite.
Coding change: c.4274CCA[1] on transcript NM_003072.5 (MANE Select); one copy of the 3-base unit CCA starting at c.4274; the reference has two copies in a row; one copy, 3 bases deleted.
Protein change: p.Thr1426del; deletes threonine 1426.
Molecular consequence: inframe deletion. On other transcripts: non-coding transcript variant (1).
Genome position (GRCh38, 1-based): chr19:11,041,413-11,041,415, CCA deleted; deleting any 3 consecutive bases within chr19:11,041,409-11,041,415 gives the same sequence; the position shown is the placement nearest the transcript's 3' end. VCF-style (leftmost placement, unchanged base first): chr19-11041408-GACC-G. GRCh37 (hg19) VCF-style: chr19-11152084-GACC-G.
Other names: c.4274CCA[1], p.Thr1426del (NM_001128844.3); c.4184CCA[1], p.Thr1396del (NM_001128845.2, NM_001128846.2); c.4175CCA[1], p.Thr1393del (NM_001128847.4, NM_001128848.2, NM_001374457.1); c.4370CCA[1], p.Thr1458del (NM_001128849.3, NM_001387283.1); c.4271CCA[1], p.Thr1425del (NM_001411150.1); short protein forms T1458del, T1426del, T1393del, T1396del, T1425del.
Identifiers: ClinVar variation 2699813 (VCV002699813.3), dbSNP rs2515490552, ClinGen allele CA2697556284.

ClinVar aggregate classification (germline): Uncertain significance (1 of 4 stars; one submission).

Conditions:
Rhabdoid tumor predisposition syndrome 2 (RTPS2). Identifiers: Orphanet 231108, Orphanet 69077, MedGen C2750074, MONDO:0013224, OMIM 613325.

Submission:

Labcorp Genetics (formerly Invitae), Labcorp
Classification: Uncertain significance for Rhabdoid tumor predisposition syndrome 2. Last evaluated: 2023-11-30. Review status: criteria provided, single submitter. Criteria: Invitae Variant Classification Sherloc (09022015). Collection method: clinical testing. Allele origin: germline.
Comment: This variant, c.4373_4375del, results in the deletion of 1 amino acid(s) of the SMARCA4 protein (p.Thr1458del), but otherwise preserves the integrity of the reading frame. This variant is not present in population databases (gnomAD no frequency). This variant has not been reported in the literature in individuals affected with SMARCA4-related conditions. Experimental studies and prediction algorithms are not available or were not evaluated, and the functional significance of this variant is currently unknown. In summary, the available evidence is currently insufficient to determine the role of this variant in disease. Therefore, it has been classified as a Variant of Uncertain Significance.